The following is an entry in ClinVar:

ClinVar aggregate classification (germline): Uncertain significance (1 of 4 stars; one submission).

Conditions:
Charcot-Marie-Tooth disease type 2R. Also called: CHARCOT-MARIE-TOOTH NEUROPATHY, TYPE 2R; CHARCOT-MARIE-TOOTH DISEASE, AXONAL, AUTOSOMAL RECESSIVE, TYPE 2R; Charcot-Marie-Tooth disease, axonal, type 2R. Identifiers: Orphanet 397968, MedGen C3809655, MONDO:0014208, OMIM 615490.

Allele frequency attached by ClinVar (database versions not stated): gnomAD exomes below 0.00001.
gnomAD v4.1: 6 of 1,614,098 alleles (0.00037%); highest among the groups gnomAD compares: Non-Finnish European, 0.00042%; no homozygotes.

Submission:

Labcorp Genetics (formerly Invitae), Labcorp
Classification: Uncertain significance for Charcot-Marie-Tooth disease type 2R. Last evaluated: 2022-03-05. Review status: criteria provided, single submitter. Criteria: Invitae Variant Classification Sherloc (09022015). Collection method: clinical testing. Allele origin: germline.
Comment: This variant is not present in population databases (gnomAD no frequency). This variant has not been reported in the literature in individuals affected with TRIM2-related conditions. Algorithms developed to predict the effect of missense changes on protein structure and function are either unavailable or do not agree on the potential impact of this missense change (SIFT: "Deleterious"; PolyPhen-2: "Benign"; Align-GVGD: "Class C65"). In summary, the available evidence is currently insufficient to determine the role of this variant in disease. Therefore, it has been classified as a Variant of Uncertain Significance. This sequence change replaces glutamine, which is neutral and polar, with proline, which is neutral and non-polar, at codon 15 of the TRIM2 protein (p.Gln15Pro).

NM_015271.5(TRIM2):c.125A>C (p.Gln42Pro)

Gene: TRIM2 (tripartite motif containing 2; plus strand). Cytogenetic location: 4q31.3.
Variant type: single nucleotide variant.
Coding change: c.125A>C on transcript NM_015271.5 (MANE Select); coding-DNA position 125, A replaced by C.
Protein change: p.Gln42Pro; replaces glutamine 42 with proline.
Molecular consequence: missense variant. On other transcripts: 5 prime UTR variant (3), intron variant (1).
Genome position (GRCh38, 1-based): chr4:153,270,429, A>C. VCF-style: chr4-153270429-A-C. GRCh37 (hg19) VCF-style: chr4-154191581-A-C.
Other names: c.44A>C, p.Gln15Pro (NM_001130067.2, NM_001375512.1, NM_001375513.1 and 5 more transcripts); c.125A>C, p.Gln42Pro (NM_001302692.2, NM_001375519.1, NM_001375488.1 and 1 more transcripts); c.122A>C, p.Gln41Pro (NM_001375520.1, NM_001302693.2, NM_001375489.1 and 1 more transcripts); c.-165A>C (NM_001375522.1, NM_001375523.1); c.-124-5464A>C (NM_001375525.1); c.98A>C, p.Gln33Pro (NM_001302694.2, NM_001351054.2); c.95A>C, p.Gln32Pro (NM_001351055.2); c.-433A>C (NM_001351057.2); short protein forms Q33P, Q15P, Q32P, Q41P, Q42P.
Identifiers: ClinVar variation 2107182 (VCV002107182.4), dbSNP rs2546382303, ClinGen allele CA358469086.